The following is an entry in ClinVar:

NM_001347.4(DGKQ):c.1619-4G>A

Gene: DGKQ (diacylglycerol kinase theta; minus strand). Cytogenetic location: 4p16.3.
Variant type: single nucleotide variant.
Coding change: c.1619-4G>A on transcript NM_001347.4 (MANE Select); 4 bases into the intron before coding-DNA position 1619, G replaced by A.
Molecular consequence: intron variant.
Genome position (GRCh38, 1-based): chr4:965,295, C>T on the plus strand (G>A on the coding strand, the complement: DGKQ is on the minus strand). VCF-style: chr4-965295-C-T. GRCh37 (hg19) VCF-style: chr4-959083-C-T.
Identifiers: ClinVar variation 3041208 (VCV003041208.2), dbSNP rs186280586, ClinGen allele CA2800333.

ClinVar aggregate classification (germline): Likely benign (0 of 4 stars; one submission).

Conditions:
DGKQ-related disorder. Also called: DGKQ-related condition.

Allele frequency attached by ClinVar (database versions not stated): gnomAD exomes 0.00008; ExAC 0.00031; ESP Exome Variant Server 0.00085; gnomAD 0.00088; TOPMed 0.00111; 1000 Genomes Project 0.00140; 1000 Genomes Project 30x 0.00141.
gnomAD v4.1: 257 of 1,611,734 alleles (0.016%); highest among the groups gnomAD compares: African/African-American, 0.3%; 1 homozygote.

Submission:

PreventionGenetics, part of Exact Sciences
Classification: Likely benign for DGKQ-related condition. Last evaluated: 2019-06-04. Review status: no assertion criteria provided. Collection method: clinical testing. Allele origin: germline.
Comment: This variant is classified as likely benign based on ACMG/AMP sequence variant interpretation guidelines (Richards et al. 2015 PMID: 25741868, with internal and published modifications).